The following is an entry in ClinVar:

ClinVar aggregate classification (germline): Uncertain significance (1 of 4 stars; one submission).

Conditions:
Hereditary cancer-predisposing syndrome. Also called: Neoplastic Syndromes, Hereditary; Hereditary neoplastic syndrome; Tumor predisposition; Hereditary Cancer Syndrome. Identifiers: Orphanet 140162, MedGen C0027672, MeSH D009386, MONDO:0015356.

Allele frequency attached by ClinVar (database versions not stated): TOPMed 0.00001.

Submission:

Ambry Genetics
Classification: Uncertain significance for Hereditary cancer-predisposing syndrome. Last evaluated: 2022-11-17. Review status: criteria provided, single submitter. Criteria: Ambry Variant Classification Scheme 2023. Collection method: clinical testing. Allele origin: germline.
Comment: The p.G209E variant (also known as c.626G>A), located in coding exon 3 of the PHOX2B gene, results from a G to A substitution at nucleotide position 626. The glycine at codon 209 is replaced by glutamic acid, an amino acid with similar properties. This amino acid position is conserved. In addition, the in silico prediction for this alteration is inconclusive. Since supporting evidence is limited at this time, the clinical significance of this alteration remains unclear.

NM_003924.4(PHOX2B):c.626G>A (p.Gly209Glu)

Gene: PHOX2B (paired like homeobox 2B; minus strand). Cytogenetic location: 4p13.
Variant type: single nucleotide variant.
Coding change: c.626G>A on transcript NM_003924.4 (MANE Select); coding-DNA position 626, G replaced by A.
Protein change: p.Gly209Glu; replaces glycine 209 with glutamic acid.
Molecular consequence: missense variant.
Genome position (GRCh38, 1-based): chr4:41,746,126, C>T on the plus strand (G>A on the coding strand, the complement: PHOX2B is on the minus strand). VCF-style: chr4-41746126-C-T. GRCh37 (hg19) VCF-style: chr4-41748143-C-T.
Other names: short protein forms G209E.
Identifiers: ClinVar variation 2496769 (VCV002496769.2), dbSNP rs1733891018, ClinGen allele CA356737637.